The following is an entry in ClinVar:

ClinVar aggregate classification (germline): Uncertain significance (1 of 4 stars; one submission).

Conditions:
Hereditary cancer-predisposing syndrome. Also called: Hereditary Cancer Syndrome; Hereditary neoplastic syndrome; Neoplastic Syndromes, Hereditary; Tumor predisposition. Identifiers: Orphanet 140162, MedGen C0027672, MeSH D009386, MONDO:0015356.

Allele frequency attached by ClinVar (database versions not stated): gnomAD exomes 0.00001.
gnomAD v4.1: 5 of 1,612,952 alleles (0.00031%); highest among the groups gnomAD compares: Non-Finnish European, 0.00042%; no homozygotes.

Submission:

Ambry Genetics
Classification: Uncertain significance for Hereditary cancer-predisposing syndrome. Last evaluated: 2020-06-18. Review status: criteria provided, single submitter. Criteria: Ambry Variant Classification Scheme 2023. Collection method: clinical testing. Allele origin: germline.
Comment: The p.S141G variant (also known as c.421A>G), located in coding exon 4 of the RB1 gene, results from an A to G substitution at nucleotide position 421. The serine at codon 141 is replaced by glycine, an amino acid with similar properties. This amino acid position is highly conserved in available vertebrate species. In addition, the in silico prediction for this alteration is inconclusive. Since supporting evidence is limited at this time, the clinical significance of this alteration remains unclear.

NM_000321.3(RB1):c.421A>G (p.Ser141Gly)

Gene: RB1 (RB transcriptional corepressor 1; plus strand). Cytogenetic location: 13q14.2.
Variant type: single nucleotide variant.
Coding change: c.421A>G on transcript NM_000321.3 (MANE Select); coding-DNA position 421, A replaced by G.
Protein change: p.Ser141Gly; replaces serine 141 with glycine.
Molecular consequence: missense variant.
Genome position (GRCh38, 1-based): chr13:48,345,120, A>G. VCF-style: chr13-48345120-A-G. GRCh37 (hg19) VCF-style: chr13-48919256-A-G.
Other names: c.421A>G, p.Ser141Gly (NM_001407165.1, NM_001407166.1); short protein forms S141G.
Identifiers: ClinVar variation 1738804 (VCV001738804.2), dbSNP rs1322130234, ClinGen allele CA388252682.